The following is an entry in ClinVar:

NM_004606.5(TAF1):c.2569+4G>A

Gene: TAF1 (TATA-box binding protein associated factor 1; plus strand). Cytogenetic location: Xq13.1.
Variant type: single nucleotide variant.
Coding change: c.2569+4G>A on transcript NM_004606.5 (MANE Select); 4 bases into the intron after coding-DNA position 2569, G replaced by A.
Molecular consequence: intron variant.
Genome position (GRCh38, 1-based): chrX:71,388,382, G>A. VCF-style: chrX-71388382-G-A. GRCh37 (hg19) VCF-style: chrX-70608232-G-A.
Other names: c.2569+4G>A (NM_001286074.2); c.2506+4G>A (NM_138923.4).
Identifiers: ClinVar variation 3388774 (VCV003388774.15).

ClinVar aggregate classification (germline): Likely benign. Review status: criteria provided, multiple submitters, no conflicts (2 of 4 stars). 2 submissions from 2 submitters: Likely benign (2). Last evaluated 2024-09-01.

gnomAD v4.1: 46 of 1,201,646 alleles (0.0038%); highest among the groups gnomAD compares: Non-Finnish European, 0.0049%; no homozygotes.

Submissions (2):

CeGaT Center for Human Genetics Tuebingen
Classification: Likely benign. Last evaluated: 2024-09-01. Review status: criteria provided, single submitter. Criteria: CeGaT Center For Human Genetics Tuebingen Variant Classification Criteria Version 2. Collection method: clinical testing. Allele origin: germline. Affected: yes. Observed: 1 variant allele.
Comment: TAF1: BP4, BS2

Blueprint Genetics
Classification: Likely benign. Last evaluated: 2022-11-10. Review status: criteria provided, single submitter. Criteria: ACMG Guidelines, 2015. Collection method: clinical testing. Allele origin: germline.